The following is an entry in ClinVar:

NM_001267550.2(TTN):c.95085G>T (p.Gly31695=)

Genes: TTN (titin; minus strand), TTN-AS1 (TTN antisense RNA 1; plus strand). Cytogenetic location: 2q31.2.
Variant type: single nucleotide variant.
Coding change: c.95085G>T on transcript NM_001267550.2 (MANE Select); coding-DNA position 95085, G replaced by T.
Protein change: p.Gly31695=; no amino-acid change (glycine 31695 retained).
Molecular consequence: synonymous variant.
Genome position (GRCh38, 1-based): chr2:178,546,246, C>A on the plus strand (G>T on the coding strand, the complement: TTN is on the minus strand). VCF-style: chr2-178546246-C-A. GRCh37 (hg19) VCF-style: chr2-179410973-C-A.
Other names: c.90162G>T, p.Gly30054= (NM_001256850.1); c.67890G>T, p.Gly22630= (NM_003319.4); c.87381G>T, p.Gly29127= (NM_133378.4); c.68265G>T, p.Gly22755= (NM_133432.3); c.68466G>T, p.Gly22822= (NM_133437.4); c.95085G>T (NM_001267550.1).
Identifiers: ClinVar variation 535024 (VCV000535024.13), dbSNP rs746787955, ClinGen allele CA1987023.

ClinVar aggregate classification (germline): Conflicting classifications of pathogenicity. Review status: criteria provided, conflicting classifications (1 of 4 stars). 9 submissions from 5 submitters: Uncertain significance (5); Benign (1); Likely benign (3). Last evaluated 2025-12-01.

Conditions:
Myopathy, myofibrillar, 9, with early respiratory failure (MFM9). Also called: EDSTROM MYOPATHY; MYOPATHY, PROXIMAL, WITH EARLY RESPIRATORY MUSCLE INVOLVEMENT; Myopathy, distal, with early respiratory failure, autosomal dominant; Hereditary myopathy with early respiratory failure. Identifiers: Orphanet 178464, Orphanet 34521, MedGen C1863599, MONDO:0011362, OMIM 603689.
Cardiovascular phenotype. Identifiers: MedGen CN230736.
Dilated cardiomyopathy 1G (CMD1G). Identifiers: Orphanet 154, MedGen C1858763, MONDO:0011400, OMIM 604145.
Autosomal recessive limb-girdle muscular dystrophy type 2J (LGMDR10). Also called: Limb-girdle muscular dystrophy, type 2J; MUSCULAR DYSTROPHY, LIMB-GIRDLE, AUTOSOMAL RECESSIVE 10. Identifiers: Orphanet 140922, MedGen C1837342, MONDO:0012127, OMIM 608807.
Early-onset myopathy with fatal cardiomyopathy (CMYO5). Also called: Salih Myopathy; CONGENITAL MYOPATHY 5 WITH CARDIOMYOPATHY. Identifiers: Orphanet 289377, MedGen C2673677, MONDO:0012714, OMIM 611705. Disease mechanism: loss of function.
Tibial muscular dystrophy (TMD). Also called: UDD MYOPATHY; Tibial muscular dystrophy, tardive; Udd Distal Myopathy – Tibial Muscular Dystrophy. Identifiers: Orphanet 609, MedGen C1838244, MONDO:0010870, OMIM 600334.

Allele frequency attached by ClinVar (database versions not stated): gnomAD 0.00001; gnomAD exomes 0.00002; TOPMed 0.00002; ExAC 0.00003.
gnomAD v4.1: 38 of 1,612,906 alleles (0.0024%); highest among the groups gnomAD compares: Non-Finnish European, 0.0031%; no homozygotes.

Submissions (9):

CeGaT Center for Human Genetics Tuebingen
Classification: Likely benign. Last evaluated: 2025-12-01. Review status: criteria provided, single submitter. Criteria: CeGaT Center For Human Genetics Tuebingen Variant Classification Criteria Version 2. Collection method: clinical testing. Allele origin: germline. Affected: yes. Observed: 1 variant allele.
Comment: TTN: BP4, BP7

Ambry Genetics
Classification: Likely benign for Cardiovascular phenotype. Last evaluated: 2023-02-03. Review status: criteria provided, single submitter. Criteria: Ambry Variant Classification Scheme 2023. Collection method: clinical testing. Allele origin: germline.

Athena Diagnostics
Classification: Uncertain significance. Last evaluated: 2021-06-14. Review status: criteria provided, single submitter. Criteria: Athena Diagnostics Criteria. Collection method: clinical testing. Allele origin: unknown.

Illumina Laboratory Services, Illumina
Classification: Uncertain significance for Dilated cardiomyopathy 1G. Last evaluated: 2018-01-13. Review status: criteria provided, single submitter. Criteria: ICSL Variant Classification Criteria 13 December 2019. Collection method: clinical testing. Allele origin: germline.

Illumina Laboratory Services, Illumina
Classification: Uncertain significance for Early-onset myopathy with fatal cardiomyopathy. Last evaluated: 2018-01-13. Review status: criteria provided, single submitter. Criteria: ICSL Variant Classification Criteria 13 December 2019. Collection method: clinical testing. Allele origin: germline.

Illumina Laboratory Services, Illumina
Classification: Likely benign for Myopathy, myofibrillar, 9, with early respiratory failure. Last evaluated: 2018-01-13. Review status: criteria provided, single submitter. Criteria: ICSL Variant Classification Criteria 13 December 2019. Collection method: clinical testing. Allele origin: germline.
Comment: This variant was observed in the ICSL laboratory as part of a predisposition screen in an ostensibly healthy population. It had not been previously curated by ICSL or reported in the Human Gene Mutation Database (HGMD: prior to June 1st, 2018), and was therefore a candidate for classification through an automated scoring system. Utilizing variant allele frequency, disease prevalence and penetrance estimates, and inheritance mode, an automated score was calculated to assess if this variant is too frequent to cause the disease. Based on the score and internal cut-off values, a variant classified as likely benign is not then subjected to further curation. The score for this variant resulted in a classification of likely benign for this disease.

Illumina Laboratory Services, Illumina
Classification: Uncertain significance for Autosomal recessive limb-girdle muscular dystrophy type 2J. Last evaluated: 2018-01-13. Review status: criteria provided, single submitter. Criteria: ICSL Variant Classification Criteria 13 December 2019. Collection method: clinical testing. Allele origin: germline.

Illumina Laboratory Services, Illumina
Classification: Benign for Tibial muscular dystrophy. Last evaluated: 2018-01-13. Review status: criteria provided, single submitter. Criteria: ICSL Variant Classification Criteria 13 December 2019. Collection method: clinical testing. Allele origin: germline.
Comment: This variant was observed in the ICSL laboratory as part of a predisposition screen in an ostensibly healthy population. It had not been previously curated by ICSL or reported in the Human Gene Mutation Database (HGMD: prior to June 1st, 2018), and was therefore a candidate for classification through an automated scoring system. Utilizing variant allele frequency, disease prevalence and penetrance estimates, and inheritance mode, an automated score was calculated to assess if this variant is too frequent to cause the disease. Based on the score and internal cut-off values, a variant classified as benign is not then subjected to further curation. The score for this variant resulted in a classification of benign for this disease.

Labcorp Genetics (formerly Invitae), Labcorp
Classification: Uncertain significance for Dilated cardiomyopathy 1G; Autosomal recessive limb-girdle muscular dystrophy type 2J. Last evaluated: 2017-08-27. Review status: criteria provided, single submitter. Criteria: Invitae Variant Classification Sherloc (09022015). Collection method: clinical testing. Allele origin: germline.
Comment: This sequence change affects codon 31695 of the TTN mRNA. It is a 'silent' change, meaning that it does not change the encoded amino acid sequence of the TTN protein. This variant is present in population databases (rs746787955, ExAC 0.005%). This variant has not been reported in the literature in individuals with TTN-related disease. This variant identified in the TTN gene is located in the A band of the resulting protein (PMID: 25589632). It is unclear how this variant impacts the function of this protein. Algorithms developed to predict the effect of sequence changes on RNA splicing suggest that this variant may create or strengthen a splice site, but this prediction has not been confirmed by published transcriptional studies. In summary, the available evidence is currently insufficient to determine the role of this variant in disease. Therefore, it has been classified as a Variant of Uncertain Significance.

Literature cited by the submitters: PubMed 25589632 (cited by Labcorp Genetics (formerly Invitae), Labcorp).